The following is an entry in ClinVar:

NM_001379500.1(COL18A1):c.107-12104C>T

Gene: COL18A1 (collagen type XVIII alpha 1 chain; plus strand). Cytogenetic location: 21q22.3.
Variant type: single nucleotide variant.
Coding change: c.107-12104C>T on transcript NM_001379500.1 (MANE Select); 12104 bases into the intron before coding-DNA position 107, C replaced by T.
Molecular consequence: intron variant. On other transcripts: missense variant (2).
Genome position (GRCh38, 1-based): chr21:45,456,138, C>T. VCF-style: chr21-45456138-C-T. GRCh37 (hg19) VCF-style: chr21-46876052-C-T.
Other names: c.608C>T, p.Ala203Val (NM_030582.4, NM_130444.3); short protein forms A203V.
Identifiers: ClinVar variation 1360249 (VCV001360249.3), dbSNP rs772920092, ClinGen allele CA10065527.

ClinVar aggregate classification (germline): Uncertain significance (1 of 4 stars; one submission).

Allele frequency attached by ClinVar (database versions not stated): gnomAD exomes below 0.00001 and 0.00001; ExAC 0.00002; TOPMed 0.00002; gnomAD 0.00003.
gnomAD v4.1: 7 of 1,583,896 alleles (0.00044%); highest among the groups gnomAD compares: African/African-American, 0.0067%; no homozygotes.

Submission:

Labcorp Genetics (formerly Invitae), Labcorp
Classification: Uncertain significance. Last evaluated: 2022-06-20. Review status: criteria provided, single submitter. Criteria: Invitae Variant Classification Sherloc (09022015). Collection method: clinical testing. Allele origin: germline.
Comment: The COL18A1 gene has multiple clinically relevant transcripts. This variant occurs in alternate transcript NM_030582.3, and corresponds to NM_130445.2:c.107-12104C>T in the primary transcript. This sequence change replaces alanine, which is neutral and non-polar, with valine, which is neutral and non-polar, at codon 203 of the COL18A1 protein (p.Ala203Val). This variant is present in population databases (rs772920092, gnomAD 0.02%). This variant has not been reported in the literature in individuals affected with COL18A1-related conditions. Experimental studies and prediction algorithms are not available or were not evaluated, and the functional significance of this variant is currently unknown. In summary, the available evidence is currently insufficient to determine the role of this variant in disease. Therefore, it has been classified as a Variant of Uncertain Significance.